The following is an entry in ClinVar:

NM_000256.3(MYBPC3):c.1353G>C (p.Glu451Asp)

Gene: MYBPC3 (myosin binding protein C3; minus strand). Cytogenetic location: 11p11.2.
Variant type: single nucleotide variant.
Coding change: c.1353G>C on transcript NM_000256.3 (MANE Select); coding-DNA position 1353, G replaced by C.
Protein change: p.Glu451Asp; replaces glutamic acid 451 with aspartic acid.
Molecular consequence: missense variant.
Genome position (GRCh38, 1-based): chr11:47,342,934, C>G on the plus strand (G>C on the coding strand, the complement: MYBPC3 is on the minus strand). VCF-style: chr11-47342934-C-G. GRCh37 (hg19) VCF-style: chr11-47364485-C-G.
Other names: short protein forms E451D.
Identifiers: ClinVar variation 1770655 (VCV001770655.7), dbSNP rs1280352639, ClinGen allele CA380326491.

ClinVar aggregate classification (germline): Uncertain significance. Review status: criteria provided, multiple submitters, no conflicts (2 of 4 stars). 2 submissions from 2 submitters: Uncertain significance (2). Last evaluated 2022-09-09.

Conditions:
Cardiovascular phenotype. Identifiers: MedGen CN230736.
Hypertrophic cardiomyopathy. Also called: HYPERTROPHIC MYOCARDIOPATHY. Identifiers: Orphanet 217569, MedGen C0007194, MeSH D002312, MONDO:0005045, HP:0001639.

Allele frequency attached by ClinVar (database versions not stated): gnomAD exomes below 0.00001; gnomAD 0.00002.
gnomAD v4.1: 7 of 1,610,908 alleles (0.00043%); highest among the groups gnomAD compares: South Asian, 0.0066%; no homozygotes.

Submissions (2):

Labcorp Genetics (formerly Invitae), Labcorp
Classification: Uncertain significance for Hypertrophic cardiomyopathy. Last evaluated: 2022-09-09. Review status: criteria provided, single submitter. Criteria: Invitae Variant Classification Sherloc (09022015). Collection method: clinical testing. Allele origin: germline.
Comment: In summary, the available evidence is currently insufficient to determine the role of this variant in disease. Therefore, it has been classified as a Variant of Uncertain Significance. Algorithms developed to predict the effect of missense changes on protein structure and function (SIFT, PolyPhen-2, Align-GVGD) all suggest that this variant is likely to be disruptive. This variant has not been reported in the literature in individuals affected with MYBPC3-related conditions. This variant is present in population databases (no rsID available, gnomAD 0.003%). This sequence change replaces glutamic acid, which is acidic and polar, with aspartic acid, which is acidic and polar, at codon 451 of the MYBPC3 protein (p.Glu451Asp).

Ambry Genetics
Classification: Uncertain significance for Cardiovascular phenotype. Last evaluated: 2022-03-15. Review status: criteria provided, single submitter. Criteria: Ambry Variant Classification Scheme 2023. Collection method: clinical testing. Allele origin: germline.
Comment: The p.E451D variant (also known as c.1353G>C), located in coding exon 16 of the MYBPC3 gene, results from a G to C substitution at nucleotide position 1353. The glutamic acid at codon 451 is replaced by aspartic acid, an amino acid with highly similar properties. This amino acid position is highly conserved in available vertebrate species. In addition, this alteration is predicted to be tolerated by in silico analysis. Since supporting evidence is limited at this time, the clinical significance of this alteration remains unclear.